The following is an entry in ClinVar:

ClinVar aggregate classification (germline): Conflicting classifications of pathogenicity. Review status: criteria provided, conflicting classifications (1 of 4 stars). 3 submissions from 3 submitters: Uncertain significance (2); Benign (1). Last evaluated 2024-07-12.

Conditions:
Cardiovascular phenotype. Identifiers: MedGen CN230736.

Allele frequency attached by ClinVar (database versions not stated): gnomAD exomes 0.00004 and 0.00008; TOPMed 0.00015; gnomAD 0.00017 and 0.00018; ExAC 0.00027.
gnomAD v4.1: 75 of 1,535,124 alleles (0.0049%); highest among the groups gnomAD compares: African/African-American, 0.055%; no homozygotes.

Submissions (3):

GeneDx
Classification: Uncertain significance. Last evaluated: 2024-07-12. Review status: criteria provided, single submitter. Criteria: GeneDx Variant Classification Process June 2021. Collection method: clinical testing. Allele origin: germline. Affected: yes.
Comment: In silico analysis indicates that this missense variant does not alter protein structure/function; Has not been previously published as pathogenic or benign to our knowledge

Ambry Genetics
Classification: Benign for Cardiovascular phenotype. Last evaluated: 2023-04-22. Review status: criteria provided, single submitter. Criteria: Ambry Variant Classification Scheme 2023. Collection method: clinical testing. Allele origin: germline.

Eurofins Ntd Llc (ga)
Classification: Uncertain significance. Last evaluated: 2014-10-02. Review status: criteria provided, single submitter. Criteria: EGL Classification Definitions 2015. Collection method: clinical testing. Allele origin: germline. Observed: 1 variant allele, 1 heterozygote.

NM_001367624.2(ZNF469):c.248C>T (p.Pro83Leu)

Gene: ZNF469 (zinc finger protein 469; plus strand). Cytogenetic location: 16q24.2.
Variant type: single nucleotide variant.
Coding change: c.248C>T on transcript NM_001367624.2 (MANE Select); coding-DNA position 248, C replaced by T.
Protein change: p.Pro83Leu; replaces proline 83 with leucine.
Molecular consequence: missense variant.
Genome position (GRCh38, 1-based): chr16:88,427,718, C>T. VCF-style: chr16-88427718-C-T. GRCh37 (hg19) VCF-style: chr16-88494126-C-T.
Other names: NM_001127464.1:c.248C>T; short protein forms P83L.
Identifiers: ClinVar variation 193175 (VCV000193175.8), dbSNP rs775103017, ClinGen allele CA238684.
Genomic context (GRCh38, chr16:88,427,718, plus strand): 5'-CCCAGCCAAGGCAGGCCAGGGACGGGGAGCTCAAGCCCCCATCCCTGAGAGGCCAGGCCC[C>T]GAGCAGCACCCCTGGGAAGAGGGGCAGCCCCCAGACCCCACCGGGGAGAAGCCCCTTGCA-3'
Protein context (NP_001354553.1, residues 73-93): LKPPSLRGQA[Pro83Leu]SSTPGKRGSP